The following is an entry in ClinVar:

NM_001278512.2(AP3B2):c.2501C>T (p.Thr834Ile)

Genes: AP3B2 (adaptor related protein complex 3 subunit beta 2; minus strand), CPEB1-AS1 (CPEB1 antisense RNA 1; plus strand), LOC113939947 (Sharpr-MPRA regulatory region 5793; plus strand). Cytogenetic location: 15q25.2.
Variant type: single nucleotide variant.
Coding change: c.2501C>T on transcript NM_001278512.2 (MANE Select); coding-DNA position 2501, C replaced by T.
Protein change: p.Thr834Ile; replaces threonine 834 with isoleucine.
Molecular consequence: missense variant.
Genome position (GRCh38, 1-based): chr15:82,663,230, G>A on the plus strand (C>T on the coding strand, the complement: AP3B2 is on the minus strand). VCF-style: chr15-82663230-G-A. GRCh37 (hg19) VCF-style: chr15-83331982-G-A.
Other names: c.2348C>T, p.Thr783Ile (NM_001278511.2); c.2444C>T, p.Thr815Ile (NM_004644.5); short protein forms T815I, T834I, T783I.
Identifiers: ClinVar variation 2124795 (VCV002124795.4), dbSNP rs1235719854, ClinGen allele CA393309911.

ClinVar aggregate classification (germline): Uncertain significance (1 of 4 stars; one submission).

Allele frequency attached by ClinVar (database versions not stated): gnomAD exomes below 0.00001; TOPMed below 0.00001; gnomAD 0.00001.

Submission:

Labcorp Genetics (formerly Invitae), Labcorp
Classification: Uncertain significance. Last evaluated: 2024-10-24. Review status: criteria provided, single submitter. Criteria: Invitae Variant Classification Sherloc (09022015). Collection method: clinical testing. Allele origin: germline.
Comment: This sequence change replaces threonine, which is neutral and polar, with isoleucine, which is neutral and non-polar, at codon 815 of the AP3B2 protein (p.Thr815Ile). This variant is present in population databases (no rsID available, gnomAD 0.0009%). This variant has not been reported in the literature in individuals affected with AP3B2-related conditions. ClinVar contains an entry for this variant (Variation ID: 2124795). Experimental studies and prediction algorithms are not available or were not evaluated, and the functional significance of this variant is currently unknown. In summary, the available evidence is currently insufficient to determine the role of this variant in disease. Therefore, it has been classified as a Variant of Uncertain Significance.